The following is an entry in ClinVar:

ClinVar aggregate classification (germline): Likely benign (1 of 4 stars; one submission).

gnomAD v4.1: 8 of 1,614,038 alleles (0.0005%); highest among the groups gnomAD compares: Non-Finnish European, 0.00068%; no homozygotes.

Submission:

CeGaT Center for Human Genetics Tuebingen
Classification: Likely benign. Last evaluated: 2025-02-01. Review status: criteria provided, single submitter. Criteria: CeGaT Center For Human Genetics Tuebingen Variant Classification Criteria Version 2. Collection method: clinical testing. Allele origin: germline. Affected: yes. Observed: 1 variant allele.
Comment: LRRTM2: BP4, BP7

NM_015564.3(LRRTM2):c.876T>C (p.Leu292=)

Genes: CTNNA1 (catenin alpha 1; plus strand), LRRTM2 (leucine rich repeat transmembrane neuronal 2; minus strand). Cytogenetic location: 5q31.2.
Variant type: single nucleotide variant.
Coding change: c.876T>C on transcript NM_015564.3 (MANE Select); coding-DNA position 876, T replaced by C.
Protein change: p.Leu292=; no amino-acid change (leucine 292 retained).
Molecular consequence: synonymous variant. On other transcripts: intron variant (9).
Genome position (GRCh38, 1-based): chr5:138,873,685, A>G on the plus strand (T>C on the coding strand, the complement: LRRTM2 is on the minus strand). VCF-style: chr5-138873685-A-G. GRCh37 (hg19) VCF-style: chr5-138209374-A-G.
Other names: c.1063-12527A>G (NM_001323982.2, NM_001323984.2, NM_001290307.3 and 4 more transcripts); c.694-12527A>G (NM_001290310.3); c.754-12527A>G (NM_001290309.3).
Identifiers: ClinVar variation 3771926 (VCV003771926.13).
Genomic context (GRCh38, chr5:138,873,685, plus strand): 5'-CAGATTGCCAGAGAGACCAACGGTTGTGAGGGATCTCAGGGAGTTTAAGATCTTGGAATC[A>G]AGGCTGTTTAACTTGTTGTTATCCATGAGGAGTATTTTAAGATTGGGCATCGTTTCAAAC-3'
Protein context (NP_056379.1, residues 282-302): LLMDNNKLNS[Leu292=]DSKILNSLRS